The following is an entry in ClinVar:

NM_002283.4(KRT85):c.1386C>T (p.Thr462=)

Gene: KRT85 (keratin 85; minus strand). Cytogenetic location: 12q13.13.
Variant type: single nucleotide variant.
Coding change: c.1386C>T on transcript NM_002283.4 (MANE Select); coding-DNA position 1386, C replaced by T.
Protein change: p.Thr462=; no amino-acid change (threonine 462 retained).
Molecular consequence: synonymous variant.
Genome position (GRCh38, 1-based): chr12:52,360,991, G>A on the plus strand (C>T on the coding strand, the complement: KRT85 is on the minus strand). VCF-style: chr12-52360991-G-A. GRCh37 (hg19) VCF-style: chr12-52754775-G-A.
Other names: c.750C>T, p.Thr250= (NM_001300810.1).
Identifiers: ClinVar variation 3058188 (VCV003058188.2), dbSNP rs2540572834, ClinGen allele CA479842424.

ClinVar aggregate classification (germline): Likely benign (0 of 4 stars; one submission).

Conditions:
KRT85-related disorder. Also called: KRT85-related condition.

gnomAD v4.1: 2 of 1,613,690 alleles (0.00012%); highest among the groups gnomAD compares: Non-Finnish European, 0.00017%; no homozygotes.

Submission:

PreventionGenetics, part of Exact Sciences
Classification: Likely benign for KRT85-related condition. Last evaluated: 2019-03-13. Review status: no assertion criteria provided. Collection method: clinical testing. Allele origin: germline.
Comment: This variant is classified as likely benign based on ACMG/AMP sequence variant interpretation guidelines (Richards et al. 2015 PMID: 25741868, with internal and published modifications).